The following is an entry in ClinVar:

NM_004336.5(BUB1):c.890A>T (p.His297Leu)

Gene: BUB1 (BUB1 mitotic checkpoint serine/threonine kinase; minus strand). Cytogenetic location: 2q13.
Variant type: single nucleotide variant.
Coding change: c.890A>T on transcript NM_004336.5 (MANE Select); coding-DNA position 890, A replaced by T.
Protein change: p.His297Leu; replaces histidine 297 with leucine.
Molecular consequence: missense variant.
Genome position (GRCh38, 1-based): chr2:110,666,330, T>A on the plus strand (A>T on the coding strand, the complement: BUB1 is on the minus strand). VCF-style: chr2-110666330-T-A. GRCh37 (hg19) VCF-style: chr2-111423907-T-A.
Other names: c.830A>T, p.His277Leu (NM_001278616.2); c.890A>T, p.His297Leu (NM_001278617.2); short protein forms H277L, H297L.
Identifiers: ClinVar variation 1765074 (VCV001765074.3), dbSNP rs2468025913, ClinGen allele CA348216524.

ClinVar aggregate classification (germline): Uncertain significance (1 of 4 stars; one submission).

Submission:

Ambry Genetics
Classification: Uncertain significance. Last evaluated: 2024-09-16. Review status: criteria provided, single submitter. Criteria: Ambry Variant Classification Scheme 2023. Collection method: clinical testing. Allele origin: germline.
Comment: The p.H297L variant (also known as c.890A>T), located in coding exon 9 of the BUB1 gene, results from an A to T substitution at nucleotide position 890. The histidine at codon 297 is replaced by leucine, an amino acid with similar properties. This amino acid position is conserved. In addition, this alteration is predicted to be tolerated by in silico analysis. Since supporting evidence is limited at this time, the clinical significance of this alteration remains unclear.